The following is an entry in ClinVar:

NM_152383.5(DIS3L2):c.1690A>T (p.Thr564Ser)

Gene: DIS3L2 (DIS3 like 3'-5' exoribonuclease 2; plus strand). Cytogenetic location: 2q37.1.
Variant type: single nucleotide variant.
Coding change: c.1690A>T on transcript NM_152383.5 (MANE Select); coding-DNA position 1690, A replaced by T.
Protein change: p.Thr564Ser; replaces threonine 564 with serine.
Molecular consequence: missense variant. On other transcripts: non-coding transcript variant (2), intron variant (1).
Genome position (GRCh38, 1-based): chr2:232,300,070, A>T. VCF-style: chr2-232300070-A-T. GRCh37 (hg19) VCF-style: chr2-233164780-A-T.
Other names: c.1581+36708A>T (NM_001257281.2); short protein forms T564S.
Identifiers: ClinVar variation 2818275 (VCV002818275.3), dbSNP rs2470145995, ClinGen allele CA350978557.

ClinVar aggregate classification (germline): Uncertain significance (1 of 4 stars; one submission).

Conditions:
Perlman syndrome (PRLMNS). Identifiers: Orphanet 2849, MedGen C0796113, MONDO:0009965, OMIM 267000.

Submission:

Labcorp Genetics (formerly Invitae), Labcorp
Classification: Uncertain significance for Perlman syndrome. Last evaluated: 2022-12-03. Review status: criteria provided, single submitter. Criteria: Invitae Variant Classification Sherloc (09022015). Collection method: clinical testing. Allele origin: germline.
Comment: Advanced modeling of protein sequence and biophysical properties (such as structural, functional, and spatial information, amino acid conservation, physicochemical variation, residue mobility, and thermodynamic stability) performed at Invitae indicates that this missense variant is not expected to disrupt DIS3L2 protein function. In summary, the available evidence is currently insufficient to determine the role of this variant in disease. Therefore, it has been classified as a Variant of Uncertain Significance. This variant has not been reported in the literature in individuals affected with DIS3L2-related conditions. This variant is not present in population databases (gnomAD no frequency). This sequence change replaces threonine, which is neutral and polar, with serine, which is neutral and polar, at codon 564 of the DIS3L2 protein (p.Thr564Ser).